The following is an entry in ClinVar:

NM_001042492.3(NF1):c.818T>G (p.Leu273Arg)

Gene: NF1 (neurofibromin 1; plus strand). Cytogenetic location: 17q11.2.
Variant type: single nucleotide variant.
Coding change: c.818T>G on transcript NM_001042492.3 (MANE Select); coding-DNA position 818, T replaced by G.
Protein change: p.Leu273Arg; replaces leucine 273 with arginine.
Molecular consequence: missense variant.
Genome position (GRCh38, 1-based): chr17:31,182,595, T>G. VCF-style: chr17-31182595-T-G. GRCh37 (hg19) VCF-style: chr17-29509613-T-G.
Other names: c.818T>G, p.Leu273Arg (NM_000267.4, NM_001128147.3); short protein forms L273R.
Identifiers: ClinVar variation 2736502 (VCV002736502.6), dbSNP rs2544753764, ClinGen allele CA398990984.

ClinVar aggregate classification (germline): Conflicting classifications of pathogenicity. Review status: criteria provided, conflicting classifications (1 of 4 stars). 4 submissions from 4 submitters: Pathogenic (2); Likely pathogenic (1); Uncertain significance (1). Last evaluated 2026-03-24.

Conditions:
Hereditary cancer-predisposing syndrome. Also called: Neoplastic Syndromes, Hereditary; Tumor predisposition; Hereditary Cancer Syndrome; Hereditary neoplastic syndrome. Identifiers: Orphanet 140162, MedGen C0027672, MeSH D009386, MONDO:0015356.
Cardiovascular phenotype. Identifiers: MedGen CN230736.
Neurofibromatosis, type 1 (NF1). Also called: VON RECKLINGHAUSEN DISEASE; Peripheral type neurofibromatosis; Neurofibromatosis, type I; NEUROFIBROMATOSIS, TYPE I, SOMATIC. Identifiers: Orphanet 636, MedGen C0027831, MONDO:0018975, OMIM 162200. Disease mechanism: loss of function.

Submissions (4):

Ambry Genetics
Classification: Likely pathogenic for Cardiovascular phenotype; Hereditary cancer-predisposing syndrome. Last evaluated: 2026-03-24. Review status: criteria provided, single submitter. Criteria: Ambry Variant Classification Scheme 2023. Collection method: clinical testing. Allele origin: germline.
Comment: The p.L273R variant (also known as c.818T>G), located in coding exon 8 of the NF1 gene, results from a T to G substitution at nucleotide position 818. The leucine at codon 273 is replaced by arginine, an amino acid with dissimilar properties. This variant was reported in individual(s) with features consistent with neurofibromatosis type 1 (Leruste A et al. Clin Dysmorphol, 2009 Apr;18:92-94; Cassiman C et al. Clin Genet, 2017 Apr;91:529-535; Ambry internal data). This amino acid position is highly conserved in available vertebrate species. In addition, this alteration is predicted to be deleterious by in silico analysis. This variant is considered to be rare based on population cohorts in the Genome Aggregation Database (gnomAD). Based on the majority of available evidence to date, this variant is likely to be pathogenic.

Labcorp Genetics (formerly Invitae), Labcorp
Classification: Pathogenic for Neurofibromatosis, type 1. Last evaluated: 2025-11-05. Review status: criteria provided, single submitter. Criteria: Invitae Variant Classification Sherloc (09022015). Collection method: clinical testing. Allele origin: germline.
Comment: This sequence change replaces leucine, which is neutral and non-polar, with arginine, which is basic and polar, at codon 273 of the NF1 protein (p.Leu273Arg). This variant is not present in population databases (gnomAD no frequency). This missense change has been observed in individual(s) with neurofibromatosis, type 1 (PMID: 27716896; internal data). Invitae Evidence Modeling of clinical and family history, age, sex, and reported ancestry of multiple individuals with this NF1 variant has been performed. This variant is expected to be pathogenic with a positive predictive value of at least 99%. This is a validated machine learning model that incorporates the clinical features of 1,785,918 individuals referred to our laboratory for NF1 testing. ClinVar contains an entry for this variant (Variation ID: 2736502). Invitae Evidence Modeling of protein sequence and biophysical properties (such as structural, functional, and spatial information, amino acid conservation, physicochemical variation, residue mobility, and thermodynamic stability) indicates that this missense variant is expected to disrupt NF1 protein function with a positive predictive value of 95%. For these reasons, this variant has been classified as Pathogenic.

GeneDx
Classification: Uncertain significance. Last evaluated: 2025-04-22. Review status: criteria provided, single submitter. Criteria: GeneDx Variant Classification Process June 2021. Collection method: clinical testing. Allele origin: germline. Affected: yes.
Comment: Not observed at significant frequency in large population cohorts (gnomAD); In silico analysis supports that this missense variant has a deleterious effect on protein structure/function; This variant is associated with the following publications: (PMID: 36273432, 36625546, 27716896, 19238080)

Clinical Genetics Service, Universitary Hospital 12 de Octubre
Classification: Pathogenic for Neurofibromatosis, type 1. Review status: criteria provided, single submitter. Criteria: ACMG Guidelines, 2015. Collection method: clinical testing. Allele origin: germline. Affected: yes.

Literature cited by the submitters: PubMed 19238080 (cited by Ambry Genetics); PubMed 27716896 (cited by Ambry Genetics and Labcorp Genetics (formerly Invitae), Labcorp).